The following is an entry in ClinVar:

ClinVar aggregate classification (germline): Likely pathogenic (1 of 4 stars; one submission).

Submission:

Labcorp Genetics (formerly Invitae), Labcorp
Classification: Likely pathogenic. Last evaluated: 2024-05-15. Review status: criteria provided, single submitter. Criteria: Invitae Variant Classification Sherloc (09022015). Collection method: clinical testing. Allele origin: germline.
Comment: This sequence change affects an acceptor splice site in intron 30 of the CPLANE1 gene. It is expected to disrupt RNA splicing. Variants that disrupt the donor or acceptor splice site typically lead to a loss of protein function (PMID: 16199547), and loss-of-function variants in CPLANE1 are known to be pathogenic (PMID: 24178751, 26092869). This variant is not present in population databases (gnomAD no frequency). This variant has not been reported in the literature in individuals affected with CPLANE1-related conditions. Algorithms developed to predict the effect of sequence changes on RNA splicing suggest that this variant may disrupt the consensus splice site. In summary, the currently available evidence indicates that the variant is pathogenic, but additional data are needed to prove that conclusively. Therefore, this variant has been classified as Likely Pathogenic.

Literature cited by the submitters: PubMed 16199547; PubMed 24178751; PubMed 26092869.

NM_001384732.1(CPLANE1):c.5901-1G>A

Gene: CPLANE1 (ciliogenesis and planar polarity effector complex subunit 1; minus strand). Cytogenetic location: 5p13.2.
Variant type: single nucleotide variant.
Coding change: c.5901-1G>A on transcript NM_001384732.1 (MANE Select); the canonical splice acceptor site of the intron before coding-DNA position 5901, G replaced by A.
Molecular consequence: splice acceptor variant.
Genome position (GRCh38, 1-based): chr5:37,175,987, C>T on the plus strand (G>A on the coding strand, the complement: CPLANE1 is on the minus strand). VCF-style: chr5-37175987-C-T. GRCh37 (hg19) VCF-style: chr5-37176089-C-T.
Other names: c.5901-1G>A (NM_023073.4).
Identifiers: ClinVar variation 3724560 (VCV003724560.2).
Genomic context (GRCh38, chr5:37,175,987, plus strand): 5'-GTATCTACTTGCATTGATTGAGGAGTGGTATGCCCAGGATGTGAAAAGGCTTCGATCATA[C>T]TATCAATAAAAATTAACAGGTGATTAGTAAGCAAGATATTCTTTGCATTATCTAAGGTAT-3'